The following is an entry in ClinVar:

NM_005245.4(FAT1):c.8991G>A (p.Thr2997=)

Genes: FAT1 (FAT atypical cadherin 1; minus strand), LOC126807255 (BRD4-independent group 4 enhancer GRCh37_chr4:187538202-187539401; plus strand). Cytogenetic location: 4q35.2.
Variant type: single nucleotide variant.
Coding change: c.8991G>A on transcript NM_005245.4 (MANE Select); coding-DNA position 8991, G replaced by A.
Protein change: p.Thr2997=; no amino-acid change (threonine 2997 retained).
Molecular consequence: synonymous variant.
Genome position (GRCh38, 1-based): chr4:186,617,089, C>T on the plus strand (G>A on the coding strand, the complement: FAT1 is on the minus strand). VCF-style: chr4-186617089-C-T. GRCh37 (hg19) VCF-style: chr4-187538243-C-T.
Identifiers: ClinVar variation 1168111 (VCV001168111.34), dbSNP rs138496810, ClinGen allele CA3165769.

ClinVar aggregate classification (germline): Benign/Likely benign. Review status: criteria provided, multiple submitters, no conflicts (2 of 4 stars). 4 submissions from 4 submitters: Benign (2); Likely benign (1). 1 of the submissions does not count toward it. Last evaluated 2025-12-25.

Conditions:
Autosomal dominant cerebellar ataxia. Also called: Spinocerebellar Ataxia, Dominant. Identifiers: Orphanet 99, MedGen C4087347, MONDO:0020380.
FAT1-related disorder. Also called: FAT1-related condition.

Allele frequency attached by ClinVar (database versions not stated): gnomAD exomes 0.00009 and 0.00013; ExAC 0.00017; ESP Exome Variant Server 0.00050; 1000 Genomes Project 0.00060; gnomAD 0.00066 and 0.00071; TOPMed 0.00066; 1000 Genomes Project 30x 0.00078.
gnomAD v4.1: 228 of 1,613,880 alleles (0.014%); highest among the groups gnomAD compares: African/African-American, 0.2%; no homozygotes.

Submissions (4):

Labcorp Genetics (formerly Invitae), Labcorp
Classification: Benign. Last evaluated: 2025-12-25. Review status: criteria provided, single submitter. Criteria: Invitae Variant Classification Sherloc (09022015). Collection method: clinical testing. Allele origin: germline.

PreventionGenetics, part of Exact Sciences
Classification: Likely benign for FAT1-related condition. Last evaluated: 2025-09-16. Review status: criteria provided, single submitter. Criteria: ACMG Guidelines, 2015. Collection method: clinical testing. Allele origin: germline.
Comment: This variant is classified as likely benign based on ACMG/AMP sequence variant interpretation guidelines (Richards et al. 2015 PMID: 25741868, with internal and published modifications).

Mendelics
Classification: Benign. Last evaluated: 2022-05-04. Review status: criteria provided, single submitter. Criteria: Mendelics Assertion Criteria 2019. Collection method: clinical testing. Allele origin: germline.

O&I group, Department of Genetics, University Medical Center of Groningen
Classification: Uncertain significance for Autosomal dominant cerebellar ataxia. Last evaluated: 2021-07-22. Review status: no assertion criteria provided. Collection method: research. Allele origin: unknown. Not counted in ClinVar's aggregate classification.

Literature cited by the submitters: DOI 10.3389/fgene.2022.782685 (cited by O&I group, Department of Genetics, University Medical Center of Groningen).